The following is an entry in ClinVar:

ClinVar aggregate classification (germline): Benign/Likely benign. Review status: criteria provided, multiple submitters, no conflicts (2 of 4 stars). 4 submissions from 4 submitters: Benign (1); Likely benign (3). Last evaluated 2024-11-21.

Conditions:
Hereditary cancer-predisposing syndrome. Also called: Tumor predisposition; Hereditary neoplastic syndrome; Neoplastic Syndromes, Hereditary; Hereditary Cancer Syndrome. Identifiers: Orphanet 140162, MedGen C0027672, MeSH D009386, MONDO:0015356.
Ataxia-telangiectasia syndrome (AT). Also called: Ataxia-telangiectasia, complementation group D; AT, COMPLEMENTATION GROUP C; ATAXIA-TELANGIECTASIA, COMPLEMENTATION GROUP A; ATAXIA-TELANGIECTASIA, FRESNO VARIANT; Ataxia-telangiectasia; LOUIS-BAR SYNDROME. Identifiers: Orphanet 100, MedGen C0004135, MONDO:0008840, OMIM 208900.
Familial cancer of breast. Also called: Hereditary breast cancer; BREAST CANCER, FAMILIAL; hereditary breast carcinoma. Identifiers: Orphanet 227535, MedGen C0346153, MONDO:0016419, OMIM 114480. Disease mechanism: loss of function.

Allele frequency attached by ClinVar (database versions not stated): gnomAD exomes below 0.00001; ExAC 0.00001.
gnomAD v4.1: 2 of 1,614,148 alleles (0.00012%); highest among the groups gnomAD compares: Non-Finnish European, 0.00017%; no homozygotes.

Submissions (4):

Labcorp Genetics (formerly Invitae), Labcorp
Classification: Likely benign for Ataxia-telangiectasia syndrome. Last evaluated: 2024-11-21. Review status: criteria provided, single submitter. Criteria: Invitae Variant Classification Sherloc (09022015). Collection method: clinical testing. Allele origin: germline.

Myriad Genetics, Inc.
Classification: Benign for Familial cancer of breast. Last evaluated: 2024-06-18. Review status: criteria provided, single submitter. Criteria: Myriad Autosomal Dominant, Autosomal Recessive and X-Linked Classification Criteria (2023). Collection method: clinical testing. Allele origin: unknown.
Comment: This variant is considered benign. This variant is a silent/synonymous amino acid change and it is not expected to impact splicing.

Ambry Genetics
Classification: Likely benign for Hereditary cancer-predisposing syndrome. Last evaluated: 2023-01-15. Review status: criteria provided, single submitter. Criteria: Ambry Variant Classification Scheme 2023. Collection method: clinical testing. Allele origin: germline.

Color Diagnostics, LLC DBA Color Health
Classification: Likely benign for Hereditary cancer-predisposing syndrome. Last evaluated: 2018-03-01. Review status: criteria provided, single submitter. Criteria: ACMG Guidelines, 2015. Collection method: clinical testing. Allele origin: germline.

NM_000051.4(ATM):c.8124T>C (p.Asp2708=)

Genes: ATM (ATM serine/threonine kinase; plus strand), C11orf65 (chromosome 11 open reading frame 65; minus strand). Cytogenetic location: 11q22.3.
Variant type: single nucleotide variant.
Coding change: c.8124T>C on transcript NM_000051.4 (MANE Select); coding-DNA position 8124, T replaced by C.
Protein change: p.Asp2708=; no amino-acid change (aspartic acid 2708 retained).
Molecular consequence: synonymous variant. On other transcripts: intron variant (2).
Genome position (GRCh38, 1-based): chr11:108,335,082, T>C. VCF-style: chr11-108335082-T-C. GRCh37 (hg19) VCF-style: chr11-108205809-T-C.
Other names: c.8124T>C, p.Asp2708= (NM_001351834.2); c.641-26011A>G (NM_001330368.2); c.*38+138A>G (NM_001351110.2).
Identifiers: ClinVar variation 627896 (VCV000627896.16), dbSNP rs587781990, ClinGen allele CA6266277.